The following is an entry in ClinVar:

NM_144670.6(A2ML1):c.844C>A (p.Leu282Ile)

Gene: A2ML1 (alpha-2-macroglobulin like 1; plus strand). Cytogenetic location: 12p13.31.
Variant type: single nucleotide variant.
Coding change: c.844C>A on transcript NM_144670.6 (MANE Select); coding-DNA position 844, C replaced by A.
Protein change: p.Leu282Ile; replaces leucine 282 with isoleucine.
Molecular consequence: missense variant.
Genome position (GRCh38, 1-based): chr12:8,837,555, C>A. VCF-style: chr12-8837555-C-A. GRCh37 (hg19) VCF-style: chr12-8990151-C-A.
Other names: short protein forms L282I.
Identifiers: ClinVar variation 1045021 (VCV001045021.12), dbSNP rs1482427203, ClinGen allele CA383823117.

ClinVar aggregate classification (germline): Uncertain significance. Review status: criteria provided, multiple submitters, no conflicts (2 of 4 stars). 4 submissions from 4 submitters: Uncertain significance (4). Last evaluated 2023-08-22.

Conditions:
A2ML1-related disorder. Also called: A2ML1-related condition.

Allele frequency attached by ClinVar (database versions not stated): gnomAD 0.00001; gnomAD exomes 0.00001.
gnomAD v4.1: 6 of 1,613,318 alleles (0.00037%); highest among the groups gnomAD compares: Admixed American, 0.0083%; no homozygotes.

Submissions (4):

PreventionGenetics, part of Exact Sciences
Classification: Uncertain significance for A2ML1-related condition. Last evaluated: 2023-08-22. Review status: criteria provided, single submitter. Criteria: ACMG Guidelines, 2015. Collection method: clinical testing. Allele origin: germline.
Comment: The A2ML1 c.844C>A variant is predicted to result in the amino acid substitution p.Leu282Ile. To our knowledge, this variant has not been reported in the literature. This variant is reported in 0.0085% of alleles in individuals of Latino descent in gnomAD. At this time, the clinical significance of this variant is uncertain due to the absence of conclusive functional and genetic evidence.

Women's Health and Genetics/Laboratory Corporation of America, LabCorp
Classification: Uncertain significance. Last evaluated: 2022-05-31. Review status: criteria provided, single submitter. Criteria: LabCorp Variant Classification Summary - May 2015. Collection method: clinical testing. Allele origin: germline.
Comment: Variant summary: A2ML1 c.844C>A (p.Leu282Ile) results in a conservative amino acid change in the encoded protein sequence. Five of five in-silico tools predict a benign effect of the variant on protein function. The variant allele was found at a frequency of 8e-06 in 249452 control chromosomes. The available data on variant occurrences in the general population are insufficient to allow any conclusion about variant significance. To our knowledge, no occurrence of c.844C>A in individuals affected with Noonan Syndrome and no experimental evidence demonstrating its impact on protein function have been reported. One clinical diagnostic laboratory has submitted clinical-significance assessments for this variant to ClinVar after 2014 without evidence for independent evaluation and classified the variant as uncertain significance. Based on the evidence outlined above, the variant was classified as uncertain significance.

Ambry Genetics
Classification: Uncertain significance. Last evaluated: 2021-10-12. Review status: criteria provided, single submitter. Criteria: Ambry Variant Classification Scheme 2023. Collection method: clinical testing. Allele origin: germline.
Comment: The p.L282I variant (also known as c.844C>A), located in coding exon 8 of the A2ML1 gene, results from a C to A substitution at nucleotide position 844. The leucine at codon 282 is replaced by isoleucine, an amino acid with highly similar properties. This amino acid position is conserved. In addition, this alteration is predicted to be tolerated by in silico analysis. Since supporting evidence is limited at this time, the clinical significance of this alteration remains unclear.

Labcorp Genetics (formerly Invitae), Labcorp
Classification: Uncertain significance. Last evaluated: 2020-08-22. Review status: criteria provided, single submitter. Criteria: Invitae Variant Classification Sherloc (09022015). Collection method: clinical testing. Allele origin: germline.
Comment: This sequence change replaces leucine with isoleucine at codon 282 of the A2ML1 protein (p.Leu282Ile). The leucine residue is weakly conserved and there is a small physicochemical difference between leucine and isoleucine. This variant is not present in population databases (ExAC no frequency). This variant has not been reported in the literature in individuals with A2ML1-related conditions. Algorithms developed to predict the effect of missense changes on protein structure and function output the following: SIFT: "Tolerated"; PolyPhen-2: "Benign"; Align-GVGD: "Class C0". The isoleucine amino acid residue is found in multiple mammalian species, suggesting that this missense change does not adversely affect protein function. These predictions have not been confirmed by published functional studies and their clinical significance is uncertain. In summary, the available evidence is currently insufficient to determine the role of this variant in disease. Therefore, it has been classified as a Variant of Uncertain Significance.